The following is an entry in ClinVar:

NM_000053.4(ATP7B):c.854T>G (p.Val285Gly)

Gene: ATP7B (ATPase copper transporting beta; minus strand). Cytogenetic location: 13q14.3.
Variant type: single nucleotide variant.
Coding change: c.854T>G on transcript NM_000053.4 (MANE Select); coding-DNA position 854, T replaced by G.
Protein change: p.Val285Gly; replaces valine 285 with glycine.
Molecular consequence: missense variant. On other transcripts: intron variant (1).
Genome position (GRCh38, 1-based): chr13:51,974,366, A>C on the plus strand (T>G on the coding strand, the complement: ATP7B is on the minus strand). VCF-style: chr13-51974366-A-C. GRCh37 (hg19) VCF-style: chr13-52548502-A-C.
Other names: c.854T>G, p.Val285Gly (NM_001005918.3, NM_001330578.2, NM_001330579.2); c.802+52T>G (NM_001243182.2); short protein forms V285G.
Identifiers: ClinVar variation 575516 (VCV000575516.9), dbSNP rs1411865806, ClinGen allele CA388040888.

ClinVar aggregate classification (germline): Uncertain significance. Review status: criteria provided, multiple submitters, no conflicts (2 of 4 stars). 3 submissions from 3 submitters: Uncertain significance (3). Last evaluated 2025-08-19.

Conditions:
Wilson disease (WND). Also called: Wilson's disease. Identifiers: Orphanet 905, MedGen C0019202, MONDO:0010200, OMIM 277900. Disease mechanism: loss of function.

Allele frequency attached by ClinVar (database versions not stated): gnomAD exomes below 0.00001.
gnomAD v4.1: 4 of 1,613,486 alleles (0.00025%); highest among the groups gnomAD compares: Non-Finnish European, 0.00034%; no homozygotes.

Submissions (3):

Color Diagnostics, LLC DBA Color Health
Classification: Uncertain significance for Wilson disease. Last evaluated: 2025-08-19. Review status: criteria provided, single submitter. Criteria: ACMG Guidelines, 2015. Collection method: clinical testing. Allele origin: germline.
Comment: This missense variant replaces valine with glycine at codon 285 of the ATP7B protein. Computational prediction suggests that this variant may have deleterious impact on protein structure and function. To our knowledge, functional studies have not been reported for this variant. This variant has not been reported in individuals affected with ATP7B-related disorders in the literature. This variant has been identified in 1/247894 chromosomes in the general population by the Genome Aggregation Database (gnomAD). The available evidence is insufficient to determine the role of this variant in disease conclusively. Therefore, this variant is classified as a Variant of Uncertain Significance.

All of Us Research Program, National Institutes of Health
Classification: Uncertain significance for Wilson disease. Last evaluated: 2024-08-30. Review status: criteria provided, single submitter. Criteria: ACMG Guidelines, 2015. Collection method: clinical testing. Allele origin: germline. Inheritance: Autosomal recessive inheritance. Observed: 7 variant alleles, 7 heterozygotes.
Comment: This missense variant replaces valine with glycine at codon 285 of the ATP7B protein. Computational prediction suggests that this variant may have deleterious impact on protein structure and function (internally defined REVEL score threshold >= 0.7, PMID: 27666373). To our knowledge, functional studies have not been reported for this variant. This variant has not been reported in individuals affected with ATP7B-related disorders in the literature. This variant has been identified in 1/247894 chromosomes in the general population by the Genome Aggregation Database (gnomAD). The available evidence is insufficient to determine the role of this variant in disease conclusively. Therefore, this variant is classified as a Variant of Uncertain Significance.

This study involves interpretation of variants in research participants for the purpose of population health screening. Participant phenotype was not available at the time of variant classification. Additional details can be found in publication PMID: 35346344, PMCID: PMC8962531

Labcorp Genetics (formerly Invitae), Labcorp
Classification: Uncertain significance for Wilson disease. Last evaluated: 2021-09-01. Review status: criteria provided, single submitter. Criteria: Invitae Variant Classification Sherloc (09022015). Collection method: clinical testing. Allele origin: germline.
Comment: This sequence change replaces valine with glycine at codon 285 of the ATP7B protein (p.Val285Gly). The valine residue is moderately conserved and there is a moderate physicochemical difference between valine and glycine. This variant is not present in population databases (ExAC no frequency). This variant has not been reported in the literature in individuals affected with ATP7B-related conditions. ClinVar contains an entry for this variant (Variation ID: 575516). Advanced modeling of protein sequence and biophysical properties (such as structural, functional, and spatial information, amino acid conservation, physicochemical variation, residue mobility, and thermodynamic stability) performed at Invitae indicates that this missense variant is expected to disrupt ATP7B protein function. In summary, the available evidence is currently insufficient to determine the role of this variant in disease. Therefore, it has been classified as a Variant of Uncertain Significance.